The following is an entry in ClinVar:

NM_001083962.2(TCF4):c.305-3C>G

Gene: TCF4 (transcription factor 4; minus strand). Cytogenetic location: 18q21.2.
Variant type: single nucleotide variant.
Coding change: c.305-3C>G on transcript NM_001083962.2 (MANE Select); 3 bases into the intron before coding-DNA position 305, C replaced by G.
Molecular consequence: intron variant.
Genome position (GRCh38, 1-based): chr18:55,403,521, G>C on the plus strand (C>G on the coding strand, the complement: TCF4 is on the minus strand). VCF-style: chr18-55403521-G-C. GRCh37 (hg19) VCF-style: chr18-53070752-G-C.
Other names: c.305-3C>G (NM_001369571.1, NM_001369567.1, NM_001243228.2 and 8 more transcripts); c.299-3C>G (NM_001243230.2); c.233-3C>G (NM_001369585.1, NM_001369578.1, NM_001369579.1 and 15 more transcripts); c.179-3C>G (NM_001243231.2, NM_001348211.2); c.-83-3C>G (NM_001348212.2); c.-86-3C>G (NM_001348213.2, NM_001243233.2); c.95-3C>G (NM_001306208.1, NM_001243232.1); c.611-3C>G (NM_001243226.3).
Identifiers: ClinVar variation 2022685 (VCV002022685.4), dbSNP rs2093938143, ClinGen allele CA2580095924.

ClinVar aggregate classification (germline): Uncertain significance (1 of 4 stars; one submission).

Conditions:
Pitt-Hopkins syndrome (PTHS). Also called: ENCEPHALOPATHY, SEVERE EPILEPTIC, WITH AUTONOMIC DYSFUNCTION; MENTAL RETARDATION, SYNDROMAL, WITH INTERMITTENT HYPERVENTILATION. Identifiers: Orphanet 2896, MedGen C1970431, MONDO:0012589, OMIM 610954.

Submission:

Labcorp Genetics (formerly Invitae), Labcorp
Classification: Uncertain significance for Pitt-Hopkins syndrome. Last evaluated: 2024-09-30. Review status: criteria provided, single submitter. Criteria: Invitae Variant Classification Sherloc (09022015). Collection method: clinical testing. Allele origin: germline.
Comment: This sequence change falls in intron 5 of the TCF4 gene. It does not directly change the encoded amino acid sequence of the TCF4 protein. It affects a nucleotide within the consensus splice site. This variant is not present in population databases (gnomAD no frequency). This variant has not been reported in the literature in individuals affected with TCF4-related conditions. ClinVar contains an entry for this variant (Variation ID: 2022685). Variants that disrupt the consensus splice site are a relatively common cause of aberrant splicing (PMID: 17576681, 9536098). Algorithms developed to predict the effect of sequence changes on RNA splicing suggest that this variant may disrupt the consensus splice site. In summary, the available evidence is currently insufficient to determine the role of this variant in disease. Therefore, it has been classified as a Variant of Uncertain Significance.

Literature cited by the submitters: PubMed 17576681; PubMed 9536098.